The following is an entry in ClinVar:

NM_000070.3(CAPN3):c.1193+1G>T

Gene: CAPN3 (calpain 3; plus strand). Cytogenetic location: 15q15.1.
Variant type: single nucleotide variant.
Coding change: c.1193+1G>T on transcript NM_000070.3 (MANE Select); the canonical splice donor site of the intron after coding-DNA position 1193, G replaced by T.
Molecular consequence: splice donor variant.
Genome position (GRCh38, 1-based): chr15:42,396,878, G>T. VCF-style: chr15-42396878-G-T. GRCh37 (hg19) VCF-style: chr15-42689076-G-T.
Other names: c.1193+1G>T (NM_024344.2); c.1049+1G>T (NM_173087.2).
Identifiers: ClinVar variation 3678358 (VCV003678358.2).
Genomic context (GRCh38, chr15:42,396,878, plus strand): 5'-TGTGGACAAAGATGAGAAGGCCCGTCTGCAGCACCAGGTCACTGAGGATGGAGAGTTCTG[G>T]TGAGTCCAGAACCCAGGAAGACCCAGAAGGGTAAGGGTGGGGAAGAGAGGGGAAATCTCA-3'

ClinVar aggregate classification (germline): Likely pathogenic (1 of 4 stars; one submission).

Conditions:
Autosomal recessive limb-girdle muscular dystrophy type 2A (LGMDR1). Also called: LEYDEN-MOEBIUS MUSCULAR DYSTROPHY; MUSCULAR DYSTROPHY, PELVOFEMORAL; Muscular dystrophy, limb-girdle, type 2A, Amish; Limb-girdle muscular dystrophy, type 2A; Calpainopathy. Identifiers: Orphanet 267, MedGen C1869123, MONDO:0009675, OMIM 253600. Disease mechanism: loss of function.

Submission:

Labcorp Genetics (formerly Invitae), Labcorp
Classification: Likely pathogenic for Autosomal recessive limb-girdle muscular dystrophy type 2A. Last evaluated: 2024-08-14. Review status: criteria provided, single submitter. Criteria: Invitae Variant Classification Sherloc (09022015). Collection method: clinical testing. Allele origin: germline.
Comment: This sequence change affects a donor splice site in intron 9 of the CAPN3 gene. It is expected to disrupt RNA splicing. Variants that disrupt the donor or acceptor splice site typically lead to a loss of protein function (PMID: 16199547), and loss-of-function variants in CAPN3 are known to be pathogenic (PMID: 10330340, 15689361). This variant is not present in population databases (gnomAD no frequency). Disruption of this splice site has been observed in individual(s) with autosomal recessive limb-girdle muscular dystrophy (PMID: 29970176). Algorithms developed to predict the effect of sequence changes on RNA splicing suggest that this variant may disrupt the consensus splice site. In summary, the currently available evidence indicates that the variant is pathogenic, but additional data are needed to prove that conclusively. Therefore, this variant has been classified as Likely Pathogenic.

Literature cited by the submitters: PubMed 16199547; PubMed 10330340; PubMed 15689361; PubMed 29970176.